The following is an entry in ClinVar:

ClinVar aggregate classification (germline): Uncertain significance. Review status: criteria provided, multiple submitters, no conflicts (2 of 4 stars). 4 submissions from 4 submitters: Uncertain significance (3). 1 of the submissions does not count toward it. Last evaluated 2023-11-06.

Conditions:
Nemaline myopathy 2 (NEM2). Also called: Nemaline myopathy 2, autosomal recessive. Identifiers: MedGen C1850569, MONDO:0009725, OMIM 256030.

Allele frequency attached by ClinVar (database versions not stated): gnomAD 0.00003; TOPMed 0.00005; ESP Exome Variant Server 0.00022.
gnomAD v4.1: 48 of 1,613,768 alleles (0.003%); highest among the groups gnomAD compares: African/African-American, 0.0067%; no homozygotes.

Submissions (4):

GeneDx
Classification: Uncertain significance. Last evaluated: 2023-11-06. Review status: criteria provided, single submitter. Criteria: GeneDx Variant Classification Process June 2021. Collection method: clinical testing. Allele origin: germline. Affected: yes.
Comment: Not observed at significant frequency in large population cohorts (gnomAD); In silico analysis supports that this missense variant has a deleterious effect on protein structure/function; Has not been previously published as pathogenic or benign to our knowledge

Revvity Omics, Revvity
Classification: Uncertain significance. Last evaluated: 2023-02-21. Review status: criteria provided, single submitter. Criteria: ACMG Guidelines, 2015. Collection method: clinical testing. Allele origin: germline.

Labcorp Genetics (formerly Invitae), Labcorp
Classification: Uncertain significance for Nemaline myopathy 2. Last evaluated: 2022-08-23. Review status: criteria provided, single submitter. Criteria: Invitae Variant Classification Sherloc (09022015). Collection method: clinical testing. Allele origin: germline.
Comment: This sequence change replaces arginine, which is basic and polar, with tryptophan, which is neutral and slightly polar, at codon 3052 of the NEB protein (p.Arg3052Trp). This variant is present in population databases (rs375216659, gnomAD 0.006%). This variant has not been reported in the literature in individuals affected with NEB-related conditions. ClinVar contains an entry for this variant (Variation ID: 969817). Algorithms developed to predict the effect of missense changes on protein structure and function are either unavailable or do not agree on the potential impact of this missense change (SIFT: "Deleterious"; PolyPhen-2: "Not Available"; Align-GVGD: "Class C0"). In summary, the available evidence is currently insufficient to determine the role of this variant in disease. Therefore, it has been classified as a Variant of Uncertain Significance.

Natera, Inc.
Classification: Uncertain significance for Nemaline myopathy type 2. Last evaluated: 2020-02-21. Review status: no assertion criteria provided. Collection method: clinical testing. Allele origin: germline. Not counted in ClinVar's aggregate classification.

NM_001164508.2(NEB):c.9154C>T (p.Arg3052Trp)

Gene: NEB (nebulin; minus strand). Cytogenetic location: 2q23.3.
Variant type: single nucleotide variant.
Coding change: c.9154C>T on transcript NM_001164508.2 (MANE Select); coding-DNA position 9154, C replaced by T.
Protein change: p.Arg3052Trp; replaces arginine 3052 with tryptophan.
Molecular consequence: missense variant. On other transcripts: intron variant (1).
Genome position (GRCh38, 1-based): chr2:151,633,914, G>A on the plus strand (C>T on the coding strand, the complement: NEB is on the minus strand). VCF-style: chr2-151633914-G-A. GRCh37 (hg19) VCF-style: chr2-152490428-G-A.
Other names: c.9154C>T, p.Arg3052Trp (NM_001164507.2, NM_001271208.2); c.8854-2736C>T (NM_004543.5); short protein forms R3052W.
Identifiers: ClinVar variation 969817 (VCV000969817.10), dbSNP rs375216659, ClinGen allele CA1909389.